The following is an entry in ClinVar:

ClinVar aggregate classification (germline): Uncertain significance (1 of 4 stars; one submission).

Submission:

Labcorp Genetics (formerly Invitae), Labcorp
Classification: Uncertain significance. Last evaluated: 2026-02-02. Review status: criteria provided, single submitter. Criteria: Invitae Variant Classification Sherloc (09022015). Collection method: clinical testing. Allele origin: germline.
Comment: This sequence change replaces glutamine, which is neutral and polar, with histidine, which is basic and polar, at codon 3051 of the PCLO protein (p.Gln3051His). This variant is not present in population databases (gnomAD no frequency). This variant has not been reported in the literature in individuals affected with PCLO-related conditions. ClinVar contains an entry for this variant (Variation ID: 2050617). Experimental studies and prediction algorithms are not available or were not evaluated, and the functional significance of this variant is currently unknown. In summary, the available evidence is currently insufficient to determine the role of this variant in disease. Therefore, it has been classified as a Variant of Uncertain Significance.

NM_033026.6(PCLO):c.9153A>C (p.Gln3051His)

Gene: PCLO (piccolo presynaptic cytomatrix protein; minus strand). Cytogenetic location: 7q21.11.
Variant type: single nucleotide variant.
Coding change: c.9153A>C on transcript NM_033026.6 (MANE Select); coding-DNA position 9153, A replaced by C.
Protein change: p.Gln3051His; replaces glutamine 3051 with histidine.
Molecular consequence: missense variant.
Genome position (GRCh38, 1-based): chr7:82,951,435, T>G on the plus strand (A>C on the coding strand, the complement: PCLO is on the minus strand). VCF-style: chr7-82951435-T-G. GRCh37 (hg19) VCF-style: chr7-82580751-T-G.
Other names: c.9153A>C, p.Gln3051His (NM_014510.3); short protein forms Q3051H.
Identifiers: ClinVar variation 2050617 (VCV002050617.4), dbSNP rs772743877, ClinGen allele CA367909092.
Genomic context (GRCh38, chr7:82,951,435, plus strand): 5'-TGGTGGTGTCATTCTTGCTGTGGAATACTGTGGGGTACTAATCCCAGCTCCTGAAATGAC[T>G]TGTCGTGTTTCTGGATATGGACCTGTAGTCTTGCTTGAATAATCCATTACCTCACCTGAA-3'
Protein context (NP_149015.2, residues 3041-3061): KTTGPYPETR[Gln3051His]VISGAGISTP